The following is an entry in ClinVar:

ClinVar aggregate classification (germline): Uncertain significance. Review status: criteria provided, multiple submitters, no conflicts (2 of 4 stars). 4 submissions from 3 submitters: Uncertain significance (4). Last evaluated 2024-01-14.

Conditions:
Familial cutaneous telangiectasia and oropharyngeal predisposition cancer syndrome. Identifiers: Orphanet 313846, MedGen C3281203, MONDO:0013806, OMIM 614564.
Inborn genetic diseases. Identifiers: MedGen C0950123, MeSH D030342.
Seckel syndrome 1 (SCKL1). Also called: MICROCEPHALIC PRIMORDIAL DWARFISM I. Identifiers: Orphanet 808, MedGen C4551474, MONDO:0008869, OMIM 210600.

Allele frequency attached by ClinVar (database versions not stated): gnomAD exomes 0.00001.
gnomAD v4.1: 3 of 1,614,156 alleles (0.00019%); highest among the groups gnomAD compares: Admixed American, 0.005%; no homozygotes.

Submissions (4):

Ambry Genetics
Classification: Uncertain significance for Inborn genetic diseases. Last evaluated: 2024-01-14. Review status: criteria provided, single submitter. Criteria: Ambry Variant Classification Scheme 2023. Collection method: clinical testing. Allele origin: germline.
Comment: The p.C1354S variant (also known as c.4061G>C), located in coding exon 22 of the ATR gene, results from a G to C substitution at nucleotide position 4061. The cysteine at codon 1354 is replaced by serine, an amino acid with dissimilar properties. This amino acid position is conserved. In addition, this alteration is predicted to be tolerated by in silico analysis. Since supporting evidence is limited at this time, the clinical significance of this alteration remains unclear.

Genome-Nilou Lab
Classification: Uncertain significance for Seckel syndrome 1. Last evaluated: 2023-02-08. Review status: criteria provided, single submitter. Criteria: ACMG Guidelines, 2015. Collection method: clinical testing. Allele origin: germline.

Genome-Nilou Lab
Classification: Uncertain significance for Familial cutaneous telangiectasia and oropharyngeal predisposition cancer syndrome. Last evaluated: 2023-02-08. Review status: criteria provided, single submitter. Criteria: ACMG Guidelines, 2015. Collection method: clinical testing. Allele origin: germline.

Labcorp Genetics (formerly Invitae), Labcorp
Classification: Uncertain significance. Last evaluated: 2022-07-21. Review status: criteria provided, single submitter. Criteria: Invitae Variant Classification Sherloc (09022015). Collection method: clinical testing. Allele origin: germline.
Comment: This sequence change replaces cysteine, which is neutral and slightly polar, with serine, which is neutral and polar, at codon 1354 of the ATR protein (p.Cys1354Ser). This variant is present in population databases (no rsID available, gnomAD 0.009%). This variant has not been reported in the literature in individuals affected with ATR-related conditions. ClinVar contains an entry for this variant (Variation ID: 1005744). Algorithms developed to predict the effect of missense changes on protein structure and function are either unavailable or do not agree on the potential impact of this missense change (SIFT: "Tolerated"; PolyPhen-2: "Probably Damaging"; Align-GVGD: "Class C0"). In summary, the available evidence is currently insufficient to determine the role of this variant in disease. Therefore, it has been classified as a Variant of Uncertain Significance.

NM_001184.4(ATR):c.4061G>C (p.Cys1354Ser)

Gene: ATR (ATR checkpoint kinase; minus strand). Cytogenetic location: 3q23.
Variant type: single nucleotide variant.
Coding change: c.4061G>C on transcript NM_001184.4 (MANE Select); coding-DNA position 4061, G replaced by C.
Protein change: p.Cys1354Ser; replaces cysteine 1354 with serine.
Molecular consequence: missense variant.
Genome position (GRCh38, 1-based): chr3:142,524,084, C>G on the plus strand (G>C on the coding strand, the complement: ATR is on the minus strand). VCF-style: chr3-142524084-C-G. GRCh37 (hg19) VCF-style: chr3-142242926-C-G.
Other names: c.3869G>C, p.Cys1290Ser (NM_001354579.2); short protein forms C1290S, C1354S.
Identifiers: ClinVar variation 1005744 (VCV001005744.10), dbSNP rs1396313983, ClinGen allele CA354802479.